The following is an entry in ClinVar:

NM_001378457.1(DMXL2):c.7071G>A (p.Leu2357=)

Gene: DMXL2 (Dmx like 2; minus strand). Cytogenetic location: 15q21.2.
Variant type: single nucleotide variant.
Coding change: c.7071G>A on transcript NM_001378457.1 (MANE Select); coding-DNA position 7071, G replaced by A.
Protein change: p.Leu2357=; no amino-acid change (leucine 2357 retained).
Molecular consequence: synonymous variant. On other transcripts: non-coding transcript variant (2).
Genome position (GRCh38, 1-based): chr15:51,474,486, C>T on the plus strand (G>A on the coding strand, the complement: DMXL2 is on the minus strand). VCF-style: chr15-51474486-C-T. GRCh37 (hg19) VCF-style: chr15-51766683-C-T.
Other names: p.Leu2357=; c.7071G>A (NM_001174116.2); c.7071G>A, p.Leu2357= (NM_001174116.3, NM_001378459.1, NM_001378461.1 and 1 more transcripts); c.5160G>A, p.Leu1720= (NM_001174117.3); c.7068G>A, p.Leu2356= (NM_001378458.1, NM_001378462.1, NM_015263.5); c.5049G>A, p.Leu1683= (NM_001378460.1); c.6828G>A, p.Leu2276= (NM_001378464.1).
Identifiers: ClinVar variation 777459 (VCV000777459.16), dbSNP rs146625172, ClinGen allele CA7561461.

ClinVar aggregate classification (germline): Benign. Review status: criteria provided, multiple submitters, no conflicts (2 of 4 stars). 5 submissions from 5 submitters: Benign (4). 1 of the submissions does not count toward it. Last evaluated 2026-02-02.

Conditions:
DMXL2-related disorder. Also called: DMXL2-related condition.

Allele frequency attached by ClinVar (database versions not stated): ESP Exome Variant Server 0.00031; gnomAD 0.00121; TOPMed 0.00385; 1000 Genomes Project 0.00459; 1000 Genomes Project 30x 0.00500.
gnomAD v4.1: 3,044 of 1,614,112 alleles (0.19%); highest among the groups gnomAD compares: Admixed American, 4.8%; 90 homozygotes.

Submissions (5):

Labcorp Genetics (formerly Invitae), Labcorp
Classification: Benign. Last evaluated: 2026-02-02. Review status: criteria provided, single submitter. Criteria: Invitae Variant Classification Sherloc (09022015). Collection method: clinical testing. Allele origin: germline.

Mayo Clinic Laboratories, Mayo Clinic
Classification: Benign. Last evaluated: 2024-10-31. Review status: criteria provided, single submitter. Criteria: ACMG Guidelines, 2015. Collection method: clinical testing. Allele origin: germline. Observed: 3 variant alleles.

GeneDx
Classification: Benign. Last evaluated: 2021-05-04. Review status: criteria provided, single submitter. Criteria: GeneDx Variant Classification Process June 2021. Collection method: clinical testing. Allele origin: germline. Affected: yes.

Breakthrough Genomics
Classification: Benign. Review status: criteria provided, single submitter. Criteria: ACMG Guidelines, 2015. Collection method: not provided. Allele origin: germline. Inheritance: Autosomal recessive inheritance. Affected: yes.

PreventionGenetics, part of Exact Sciences
Classification: Benign for DMXL2-related condition. Last evaluated: 2019-05-14. Review status: no assertion criteria provided. Collection method: clinical testing. Allele origin: germline. Not counted in ClinVar's aggregate classification.
Comment: This variant is classified as benign based on ACMG/AMP sequence variant interpretation guidelines (Richards et al. 2015 PMID: 25741868, with internal and published modifications).